The following is an entry in ClinVar:

NM_001037582.3(SCD5):c.144G>A (p.Arg48=)

Genes: SCD5 (stearoyl-CoA desaturase 5; minus strand), LOC129992763 (ATAC-STARR-seq lymphoblastoid silent region 15534; plus strand). Cytogenetic location: 4q21.22.
Variant type: single nucleotide variant.
Coding change: c.144G>A on transcript NM_001037582.3 (MANE Select); coding-DNA position 144, G replaced by A.
Protein change: p.Arg48=; no amino-acid change (arginine 48 retained).
Molecular consequence: synonymous variant.
Genome position (GRCh38, 1-based): chr4:82,798,394, C>T on the plus strand (G>A on the coding strand, the complement: SCD5 is on the minus strand). VCF-style: chr4-82798394-C-T. GRCh37 (hg19) VCF-style: chr4-83719547-C-T.
Other names: c.144G>A, p.Arg48= (NM_024906.3).
Identifiers: ClinVar variation 2654846 (VCV002654846.24), dbSNP rs112255809, ClinGen allele CA2985924.

ClinVar aggregate classification (germline): Likely benign (1 of 4 stars; one submission).

Allele frequency attached by ClinVar (database versions not stated): gnomAD exomes 0.00026; ExAC 0.00091; 1000 Genomes Project 0.00220; 1000 Genomes Project 30x 0.00265; gnomAD 0.00295; ESP Exome Variant Server 0.00300; TOPMed 0.00306.
gnomAD v4.1: 879 of 1,613,496 alleles (0.054%); highest among the groups gnomAD compares: African/African-American, 0.94%; 9 homozygotes.

Submission:

CeGaT Center for Human Genetics Tuebingen
Classification: Likely benign. Last evaluated: 2023-02-01. Review status: criteria provided, single submitter. Criteria: CeGaT Center For Human Genetics Tuebingen Variant Classification Criteria Version 2. Collection method: clinical testing. Allele origin: germline. Affected: yes. Observed: 1 variant allele.
Comment: SCD5: BP4, BP7, BS2